The following is an entry in ClinVar:

ClinVar aggregate classification (germline): Uncertain significance (1 of 4 stars; one submission).

Allele frequency attached by ClinVar (database versions not stated): TOPMed 0.00001.

Submission:

Labcorp Genetics (formerly Invitae), Labcorp
Classification: Uncertain significance. Last evaluated: 2022-09-05. Review status: criteria provided, single submitter. Criteria: Invitae Variant Classification Sherloc (09022015). Collection method: clinical testing. Allele origin: germline.
Comment: In summary, the available evidence is currently insufficient to determine the role of this variant in disease. Therefore, it has been classified as a Variant of Uncertain Significance. Variants that disrupt the consensus splice site are a relatively common cause of aberrant splicing (PMID: 17576681, 9536098). Algorithms developed to predict the effect of sequence changes on RNA splicing suggest that this variant is not likely to affect RNA splicing. This variant has not been reported in the literature in individuals affected with MSN-related conditions. This variant is not present in population databases (gnomAD no frequency). This sequence change falls in intron 6 of the MSN gene. It does not directly change the encoded amino acid sequence of the MSN protein. It affects a nucleotide within the consensus splice site.

Literature cited by the submitters: PubMed 17576681; PubMed 9536098.

NM_002444.3(MSN):c.698+4T>A

Gene: MSN (moesin; plus strand). Cytogenetic location: Xq12.
Variant type: single nucleotide variant.
Coding change: c.698+4T>A on transcript NM_002444.3 (MANE Select); 4 bases into the intron after coding-DNA position 698, T replaced by A.
Molecular consequence: intron variant.
Genome position (GRCh38, 1-based): chrX:65,731,988, T>A. VCF-style: chrX-65731988-T-A. GRCh37 (hg19) VCF-style: chrX-64951850-T-A.
Identifiers: ClinVar variation 1933039 (VCV001933039.5), dbSNP rs2071627036, ClinGen allele CA2434119042.
Genomic context (GRCh38, chrX:65,731,988, plus strand): 5'-AGAGCTGTGGCTGGGGGTGGATGCCCTGGGTCTCAACATCTATGAGCAGAATGACAGGTA[T>A]ATCTCAGATCTCTTTTAGTTTATTTAGGTCACGTTAACATCTAGGGCTCACTTTTCACCA-3'